The following is an entry in ClinVar:

NM_181507.2(HPS5):c.2538G>A (p.Pro846=)

Gene: HPS5 (HPS5 biogenesis of lysosomal organelles complex 2 subunit 2; minus strand). Cytogenetic location: 11p15.1.
Variant type: single nucleotide variant.
Coding change: c.2538G>A on transcript NM_181507.2 (MANE Select); coding-DNA position 2538, G replaced by A.
Protein change: p.Pro846=; no amino-acid change (proline 846 retained).
Molecular consequence: synonymous variant.
Genome position (GRCh38, 1-based): chr11:18,287,916, C>T on the plus strand (G>A on the coding strand, the complement: HPS5 is on the minus strand). VCF-style: chr11-18287916-C-T. GRCh37 (hg19) VCF-style: chr11-18309463-C-T.
Other names: c.2196G>A, p.Pro732= (NM_007216.4, NM_181508.2).
Identifiers: ClinVar variation 747763 (VCV000747763.11), dbSNP rs770036861, ClinGen allele CA5909832.
Genomic context (GRCh38, chr11:18,287,916, plus strand): 5'-GCTTTAGCTCATATAAACAATATACAGGACAACTTACCGGGTAGCATAAACAACCAACAA[C>T]GGACTATCAAAAGGAACCTCGTCATCTAGTAACTTTAACCTTGTTGGTAGATCTCCTTTT-3'
Protein context (NP_852608.1, residues 836-856): LLDDEVPFDS[Pro846=]LLVVYATRLY

ClinVar aggregate classification (germline): Likely benign. Review status: criteria provided, multiple submitters, no conflicts (2 of 4 stars). 3 submissions from 3 submitters: Likely benign (3). Last evaluated 2025-12-22.

Conditions:
HPS5-related disorder. Also called: HPS5-related condition.

Allele frequency attached by ClinVar (database versions not stated): ExAC 0.00005; gnomAD exomes 0.00008; gnomAD 0.00009 and 0.00010; TOPMed 0.00012.
gnomAD v4.1: 109 of 1,613,884 alleles (0.0068%); highest among the groups gnomAD compares: Admixed American, 0.047%; no homozygotes.

Submissions (3):

Labcorp Genetics (formerly Invitae), Labcorp
Classification: Likely benign. Last evaluated: 2025-12-22. Review status: criteria provided, single submitter. Criteria: Invitae Variant Classification Sherloc (09022015). Collection method: clinical testing. Allele origin: germline.

PreventionGenetics, part of Exact Sciences
Classification: Likely benign for HPS5-related condition. Last evaluated: 2025-07-03. Review status: criteria provided, single submitter. Criteria: ACMG Guidelines, 2015. Collection method: clinical testing. Allele origin: germline.
Comment: This variant is classified as likely benign based on ACMG/AMP sequence variant interpretation guidelines (Richards et al. 2015 PMID: 25741868, with internal and published modifications).

Breakthrough Genomics
Classification: Likely benign. Review status: criteria provided, single submitter. Criteria: ACMG Guidelines, 2015. Collection method: not provided. Allele origin: germline. Inheritance: Autosomal recessive inheritance. Affected: yes.